The following is an entry in ClinVar:

ClinVar aggregate classification (germline): Uncertain significance. Review status: criteria provided, multiple submitters, no conflicts (2 of 4 stars). 7 submissions from 6 submitters: Uncertain significance (7). Last evaluated 2026-06-25.

Conditions:
NPHP4-related disorder. Also called: NPHP4-related disorders; NPHP4-related condition. Identifiers: MedGen CN239384.
Inborn genetic diseases. Identifiers: MedGen C0950123, MeSH D030342.
Nephronophthisis. Also called: Juvenile Nephronophthisis. Identifiers: Orphanet 655, MedGen C0687120, MONDO:0019005, HP:0000090.
Senior-Loken syndrome 4 (SLSN4). Identifiers: Orphanet 3156, MedGen C1846979, MONDO:0011756, OMIM 606996.
Nephronophthisis 4 (NPHP4). Also called: NEPHRONOPHTHISIS 4, JUVENILE. Identifiers: Orphanet 655, MedGen C1847013, MONDO:0011752, OMIM 606966.

Allele frequency attached by ClinVar (database versions not stated): gnomAD 0.00008 and 0.00009; TOPMed 0.00010; gnomAD exomes 0.00012; ESP Exome Variant Server 0.00016; ExAC 0.00018.
gnomAD v4.1: 158 of 1,607,528 alleles (0.0098%); highest among the groups gnomAD compares: Non-Finnish European, 0.012%; no homozygotes.

Submissions (7):

PreventionGenetics, part of Exact Sciences
Classification: Uncertain significance for NPHP4-related condition. Last evaluated: 2026-06-25. Review status: criteria provided, single submitter. Criteria: ACMG Guidelines, 2015. Collection method: clinical testing. Allele origin: germline.
Comment: The NPHP4 c.176G>A variant is predicted to result in the amino acid substitution p.Arg59Gln. To our knowledge, this variant has not been reported in the literature. This variant is reported in 0.019% of alleles in individuals of European (non-Finnish) descent in gnomAD. At this time, the clinical significance of this variant is uncertain due to the absence of conclusive functional and genetic evidence.

Blueprint Genetics
Classification: Uncertain significance. Last evaluated: 2024-07-02. Review status: criteria provided, single submitter. Criteria: ACMG Guidelines, 2015. Collection method: clinical testing. Allele origin: germline.

Ambry Genetics
Classification: Uncertain significance for Inborn genetic diseases. Last evaluated: 2023-01-24. Review status: criteria provided, single submitter. Criteria: Ambry Variant Classification Scheme 2023. Collection method: clinical testing. Allele origin: germline.

Labcorp Genetics (formerly Invitae), Labcorp
Classification: Uncertain significance for Nephronophthisis. Last evaluated: 2022-05-22. Review status: criteria provided, single submitter. Criteria: Invitae Variant Classification Sherloc (09022015). Collection method: clinical testing. Allele origin: germline.
Comment: This sequence change replaces arginine, which is basic and polar, with glutamine, which is neutral and polar, at codon 59 of the NPHP4 protein (p.Arg59Gln). This variant is present in population databases (rs200128117, gnomAD 0.02%). This variant has not been reported in the literature in individuals affected with NPHP4-related conditions. ClinVar contains an entry for this variant (Variation ID: 462715). Algorithms developed to predict the effect of missense changes on protein structure and function are either unavailable or do not agree on the potential impact of this missense change (SIFT: "Tolerated"; PolyPhen-2: "Probably Damaging"; Align-GVGD: "Class C0"). In summary, the available evidence is currently insufficient to determine the role of this variant in disease. Therefore, it has been classified as a Variant of Uncertain Significance.

Fulgent Genetics
Classification: Uncertain significance for Nephronophthisis 4; Senior-Loken syndrome 4. Last evaluated: 2022-05-03. Review status: criteria provided, single submitter. Criteria: ACMG Guidelines, 2015. Collection method: clinical testing. Allele origin: unknown.

Illumina Laboratory Services, Illumina
Classification: Uncertain significance for Nephronophthisis 4. Last evaluated: 2018-03-02. Review status: criteria provided, single submitter. Criteria: ICSL Variant Classification Criteria 13 December 2019. Collection method: clinical testing. Allele origin: germline.

Illumina Laboratory Services, Illumina
Classification: Uncertain significance for Senior-Loken syndrome 4. Last evaluated: 2018-03-02. Review status: criteria provided, single submitter. Criteria: ICSL Variant Classification Criteria 13 December 2019. Collection method: clinical testing. Allele origin: germline.

NM_015102.5(NPHP4):c.176G>A (p.Arg59Gln)

Gene: NPHP4 (nephrocystin 4; minus strand). Cytogenetic location: 1p36.31.
Variant type: single nucleotide variant.
Coding change: c.176G>A on transcript NM_015102.5 (MANE Select); coding-DNA position 176, G replaced by A.
Protein change: p.Arg59Gln; replaces arginine 59 with glutamine.
Molecular consequence: missense variant. On other transcripts: 5 prime UTR variant (1), non-coding transcript variant (1), intron variant (1).
Genome position (GRCh38, 1-based): chr1:5,978,373, C>T on the plus strand (G>A on the coding strand, the complement: NPHP4 is on the minus strand). VCF-style: chr1-5978373-C-T. GRCh37 (hg19) VCF-style: chr1-6038433-C-T.
Other names: c.-1054G>A (NM_001291593.2); c.-1087-9114G>A (NM_001291594.2); short protein forms R59Q.
Identifiers: ClinVar variation 462715 (VCV000462715.13), dbSNP rs200128117, ClinGen allele CA554911.